The following is an entry in ClinVar:

NM_001013838.3(CARMIL2):c.3925G>T (p.Asp1309Tyr)

Gene: CARMIL2 (capping protein regulator and myosin 1 linker 2; plus strand). Cytogenetic location: 16q22.1.
Variant type: single nucleotide variant.
Coding change: c.3925G>T on transcript NM_001013838.3 (MANE Select); coding-DNA position 3925, G replaced by T.
Protein change: p.Asp1309Tyr; replaces aspartic acid 1309 with tyrosine.
Molecular consequence: missense variant.
Genome position (GRCh38, 1-based): chr16:67,656,534, G>T. VCF-style: chr16-67656534-G-T. GRCh37 (hg19) VCF-style: chr16-67690437-G-T.
Other names: c.3817G>T, p.Asp1273Tyr (NM_001317026.3); short protein forms D1273Y, D1309Y.
Identifiers: ClinVar variation 1718448 (VCV001718448.5), dbSNP rs772446123, ClinGen allele CA8114214.
Genomic context (GRCh38, chr16:67,656,534, plus strand): 5'-TGGAAGACACTGGGGCAGCAGTTGAATGCGGAGCTCAGGAGCCGTGGTTGGGGCCAACAG[G>T]ATGGTCCAGGCCCTCCCTCCCCTGGTCAAAGCCCAAGTCCCTGCAGAACCAGCCCCTCCC-3'
Protein context (NP_001013860.1, residues 1299-1319): ELRSRGWGQQ[Asp1309Tyr]GPGPPSPGQS

ClinVar aggregate classification (germline): Uncertain significance (1 of 4 stars; one submission).

Allele frequency attached by ClinVar (database versions not stated): gnomAD exomes below 0.00001; ExAC 0.00001.
gnomAD v4.1: 1 of 1,613,550 alleles (0.000062%); highest among the groups gnomAD compares: Non-Finnish European, 0.000085%; no homozygotes.

Submission:

Labcorp Genetics (formerly Invitae), Labcorp
Classification: Uncertain significance. Last evaluated: 2022-07-19. Review status: criteria provided, single submitter. Criteria: Invitae Variant Classification Sherloc (09022015). Collection method: clinical testing. Allele origin: germline.
Comment: In summary, the available evidence is currently insufficient to determine the role of this variant in disease. Therefore, it has been classified as a Variant of Uncertain Significance. Algorithms developed to predict the effect of missense changes on protein structure and function are either unavailable or do not agree on the potential impact of this missense change (SIFT: "Deleterious"; PolyPhen-2: "Probably Damaging"; Align-GVGD: "Class C0"). This variant has not been reported in the literature in individuals affected with CARMIL2-related conditions. This variant is present in population databases (rs772446123, gnomAD 0.0009%). This sequence change replaces aspartic acid, which is acidic and polar, with tyrosine, which is neutral and polar, at codon 1309 of the CARMIL2 protein (p.Asp1309Tyr).